The following is an entry in ClinVar:

NM_003107.3(SOX4):c.94T>G (p.Ser32Ala)

Gene: SOX4 (SRY-box transcription factor 4; plus strand). Cytogenetic location: 6p22.3.
Variant type: single nucleotide variant.
Coding change: c.94T>G on transcript NM_003107.3 (MANE Select); coding-DNA position 94, T replaced by G.
Protein change: p.Ser32Ala; replaces serine 32 with alanine.
Molecular consequence: missense variant.
Genome position (GRCh38, 1-based): chr6:21,594,628, T>G. VCF-style: chr6-21594628-T-G. GRCh37 (hg19) VCF-style: chr6-21594859-T-G.
Other names: short protein forms S32A.
Identifiers: ClinVar variation 4631868 (VCV004631868.3).

ClinVar aggregate classification (germline): Uncertain significance. Review status: criteria provided, multiple submitters, no conflicts (2 of 4 stars). 2 submissions from 2 submitters: Uncertain significance (2). Last evaluated 2026-04-01.

Conditions:
Inborn genetic diseases. Identifiers: MedGen C0950123, MeSH D030342.

Submissions (2):

CeGaT Center for Human Genetics Tuebingen
Classification: Uncertain significance. Last evaluated: 2026-04-01. Review status: criteria provided, single submitter. Criteria: CeGaT Center For Human Genetics Tuebingen Variant Classification Criteria Version 2. Collection method: clinical testing. Allele origin: germline. Affected: yes. Observed: 1 variant allele.
Comment: SOX4: PP3

Ambry Genetics
Classification: Uncertain significance for Inborn genetic diseases. Last evaluated: 2025-10-06. Review status: criteria provided, single submitter. Criteria: Ambry Variant Classification Scheme 2023. Collection method: clinical testing. Allele origin: germline.